The following is an entry in ClinVar:

NM_080425.4(GNAS):c.768G>T (p.Ala256=)

Gene: GNAS (GNAS complex locus; plus strand). Cytogenetic location: 20q13.32.
Variant type: single nucleotide variant.
Coding change: c.768G>T on transcript NM_080425.4 (MANE Plus Clinical); coding-DNA position 768, G replaced by T.
Protein change: p.Ala256=; no amino-acid change (alanine 256 retained).
Molecular consequence: synonymous variant. On other transcripts: missense variant (2), intron variant (3).
Genome position (GRCh38, 1-based): chr20:58,854,033, G>T. VCF-style: chr20-58854033-G-T. GRCh37 (hg19) VCF-style: chr20-57429088-G-T.
Other names: c.581G>T, p.Arg194Leu (NM_001077490.3, NM_001309883.1); c.768G>T, p.Ala256= (NM_001410913.1); c.*42+13147G>T (NM_016592.5); c.43+13147G>T (NM_001410912.1); c.-39+12158G>T (NM_001309861.2); short protein forms R194L.
Identifiers: ClinVar variation 3347368 (VCV003347368.1).

ClinVar aggregate classification (germline): Uncertain significance (0 of 4 stars; one submission).

Conditions:
GNAS-related disorder. Identifiers: MedGen CN380105.

Submission:

PreventionGenetics, part of Exact Sciences
Classification: Uncertain significance for GNAS-related condition. Last evaluated: 2024-06-12. Review status: no assertion criteria provided. Collection method: clinical testing. Allele origin: germline.
Comment: The GNAS c.581G>T variant is predicted to result in the amino acid substitution p.Arg194Leu. To our knowledge, this variant has not been reported in the literature or in a large population database, indicating this variant is rare. At this time, the clinical significance of this variant is uncertain due to the absence of conclusive functional and genetic evidence.